The following is an entry in ClinVar:

ClinVar aggregate classification (germline): Uncertain significance (1 of 4 stars; one submission).

Conditions:
Hereditary cancer-predisposing syndrome. Also called: Neoplastic Syndromes, Hereditary; Tumor predisposition; Hereditary neoplastic syndrome; Hereditary Cancer Syndrome. Identifiers: Orphanet 140162, MedGen C0027672, MeSH D009386, MONDO:0015356.

Submission:

Ambry Genetics
Classification: Uncertain significance for Hereditary cancer-predisposing syndrome. Last evaluated: 2024-05-28. Review status: criteria provided, single submitter. Criteria: Ambry Variant Classification Scheme 2023. Collection method: clinical testing. Allele origin: germline.
Comment: The c.1338_1343delGCGACA variant (also known as p.Q446_R447del) is located in coding exon 9 of the ATM gene. This variant results from an in-frame GCGACA deletion at nucleotide positions 1338 to 1343. This results in the in-frame deletion of glutamine and arginine residues at codons 446 and 447. These amino acid positions are well conserved in available vertebrate species. In addition, this alteration is predicted to be deleterious by in silico analysis (Choi Y et al. PLoS ONE. 2012; 7(10):e46688). Based on the available evidence, the clinical significance of this variant remains unclear.

NM_000051.4(ATM):c.1338_1343del (p.Gln446_Arg447del)

Gene: ATM (ATM serine/threonine kinase; plus strand). Cytogenetic location: 11q22.3.
Variant type: Deletion.
Coding change: c.1338_1343del on transcript NM_000051.4 (MANE Select); coding-DNA positions 1338 to 1343, 6 bases deleted (GCGACA; older notation c.1338_1343delGCGACA).
Protein change: p.Gln446_Arg447del.
Molecular consequence: inframe deletion.
Genome position (GRCh38, 1-based): chr11:108,250,803-108,250,808, GCGACA deleted; deleting any 6 consecutive bases within chr11:108,250,800-108,250,808 gives the same sequence; the c. name uses the placement nearest the transcript's 3' end. VCF-style (leftmost placement, unchanged base first): chr11-108250799-AACAGCG-A. GRCh37 (hg19) VCF-style: chr11-108121526-AACAGCG-A.
Other names: c.1338_1343del, p.Gln446_Arg447del (NM_001351834.2).
Identifiers: ClinVar variation 3326052 (VCV003326052.1).